The following is an entry in ClinVar:

NM_024426.6(WT1):c.543C>T (p.Arg181=)

Genes: WT1 (WT1 transcription factor; minus strand), LOC107982234 (WT1/WT1-AS bi-directional promoter region; plus strand). Cytogenetic location: 11p13.
Variant type: single nucleotide variant.
Coding change: c.543C>T on transcript NM_024426.6 (MANE Select); coding-DNA position 543, C replaced by T.
Protein change: p.Arg181=; no amino-acid change (arginine 181 retained).
Molecular consequence: synonymous variant. On other transcripts: non-coding transcript variant (1).
Genome position (GRCh38, 1-based): chr11:32,434,818, G>A on the plus strand (C>T on the coding strand, the complement: WT1 is on the minus strand). VCF-style: chr11-32434818-G-A. GRCh37 (hg19) VCF-style: chr11-32456364-G-A.
Other names: c.543C>T, p.Arg181= (NM_000378.6, NM_024424.5).
Identifiers: ClinVar variation 241483 (VCV000241483.32), dbSNP rs369870529, ClinGen allele CA065027.
Genomic context (GRCh38, chr11:32,434,818, plus strand): 5'-AAACATCCTGGCCTGGCCGGATGACGCCTGGCTGGGCGGAGGAGGACCGAAGGGCCCGTA[G>A]CGACAGGCTCCGGCTGTGCCAGTGAACTGGCCGGAAAAGTGGACAGTGAAGGCGCTCAGG-3'
Protein context (NP_077744.4, residues 171-191): GQFTGTAGAC[Arg181=]YGPFGPPPPS

ClinVar aggregate classification (germline): Benign/Likely benign. Review status: criteria provided, multiple submitters, no conflicts (2 of 4 stars). 8 submissions from 8 submitters: Benign (3); Likely benign (4). 1 of the submissions does not count toward it. Last evaluated 2026-02-02.

Conditions:
WT1-related disorder. Also called: WT1-related disorders. Identifiers: MedGen CN377814.
Inborn genetic diseases. Identifiers: MedGen C0950123, MeSH D030342.
Wilms tumor 1 (WT1). Also called: Wilms tumor, somatic. Identifiers: Orphanet 654, MedGen CN033288, MONDO:0008679, OMIM 194070.
11p partial monosomy syndrome (WAGR). Also called: WAGR Spectrum Disorder; WAGR syndrome; WAGR Complex; CHROMOSOME 11p13 DELETION SYNDROME. Identifiers: Orphanet 893, MedGen C0206115, MONDO:0008681, OMIM 194072.
Drash syndrome (DDS). Also called: NEPHROPATHY, WILMS TUMOR, AND GENITAL ANOMALIES; WILMS TUMOR AND PSEUDO- OR TRUE HERMAPHRODITISM. Identifiers: Orphanet 220, MedGen C0950121, MONDO:0008682, OMIM 194080.
Mesothelioma, malignant (MESOM). Also called: Malignant mesothelioma (disease). Identifiers: Orphanet 50251, MedGen C0345967, MONDO:0006292, OMIM 156240, HP:0100001.
Nephrotic syndrome, type 4 (NPHS4). Also called: Familial mesangial sclerosis; Nephrotic syndrome, early onset with diffuse mesangial sclerosis. Identifiers: Orphanet 656, MedGen C3151568, MONDO:0009733, OMIM 256370.
Frasier syndrome. Identifiers: Orphanet 347, MedGen C0950122, MeSH D052159, MONDO:0007635, OMIM 136680.
Meacham syndrome. Also called: Meacham Winn Culler syndrome. Identifiers: Orphanet 3097, MedGen C1837026, MONDO:0012164, OMIM 608978.
Aniridia 1 (AN1). Identifiers: Orphanet 250923, MedGen C0344542, MONDO:0024507, OMIM 106210.
Hereditary cancer-predisposing syndrome. Also called: Tumor predisposition; Hereditary Cancer Syndrome; Neoplastic Syndromes, Hereditary; Hereditary neoplastic syndrome. Identifiers: Orphanet 140162, MedGen C0027672, MeSH D009386, MONDO:0015356.

Allele frequency attached by ClinVar (database versions not stated): gnomAD below 0.00001 and 0.00009; TOPMed 0.00001; gnomAD exomes 0.00014 and 0.00029; ExAC 0.00030; 1000 Genomes Project 30x 0.00031; 1000 Genomes Project 0.00040.
gnomAD v4.1: 213 of 1,612,608 alleles (0.013%); highest among the groups gnomAD compares: South Asian, 0.23%; 3 homozygotes.

Submissions (8):

Labcorp Genetics (formerly Invitae), Labcorp
Classification: Benign for Wilms tumor 1; Drash syndrome; 11p partial monosomy syndrome; Frasier syndrome. Last evaluated: 2026-02-02. Review status: criteria provided, single submitter. Criteria: Invitae Variant Classification Sherloc (09022015). Collection method: clinical testing. Allele origin: germline.

CeGaT Center for Human Genetics Tuebingen
Classification: Likely benign. Last evaluated: 2025-02-01. Review status: criteria provided, single submitter. Criteria: CeGaT Center For Human Genetics Tuebingen Variant Classification Criteria Version 2. Collection method: clinical testing. Allele origin: germline. Affected: yes. Observed: 1 variant allele.
Comment: WT1: BP4, BP7

Ambry Genetics
Classification: Likely benign for Inborn genetic diseases. Last evaluated: 2024-08-21. Review status: criteria provided, single submitter. Criteria: Ambry Variant Classification Scheme 2023. Collection method: clinical testing. Allele origin: germline.

Blueprint Genetics
Classification: Likely benign. Last evaluated: 2024-07-09. Review status: criteria provided, single submitter. Criteria: ACMG Guidelines, 2015. Collection method: clinical testing. Allele origin: germline.

All of Us Research Program, National Institutes of Health
Classification: Benign for Wilms tumor 1. Last evaluated: 2023-11-30. Review status: criteria provided, single submitter. Criteria: ACMG Guidelines, 2015. Collection method: clinical testing. Allele origin: germline. Inheritance: Autosomal dominant inheritance. Observed: 4 variant alleles, 4 heterozygotes.
Comment: This study involves interpretation of variants in research participants for the purpose of population health screening. Participant phenotype was not available at the time of variant classification. Additional details can be found in publication PMID: 35346344, PMCID: PMC8962531

Fulgent Genetics
Classification: Likely benign for Aniridia 1; Frasier syndrome; Mesothelioma, malignant; Wilms tumor 1; 11p partial monosomy syndrome; Drash syndrome; Nephrotic syndrome, type 4; Meacham syndrome. Last evaluated: 2022-04-27. Review status: criteria provided, single submitter. Criteria: ACMG Guidelines, 2015. Collection method: clinical testing. Allele origin: unknown.

Sema4
Classification: Benign for Hereditary cancer-predisposing syndrome. Last evaluated: 2021-05-18. Review status: criteria provided, single submitter. Criteria: Sema4 Curation Guidelines. Collection method: curation. Allele origin: germline.

PreventionGenetics, part of Exact Sciences
Classification: Likely benign for WT1-related condition. Last evaluated: 2020-09-30. Review status: no assertion criteria provided. Collection method: clinical testing. Allele origin: germline. Not counted in ClinVar's aggregate classification.
Comment: This variant is classified as likely benign based on ACMG/AMP sequence variant interpretation guidelines (Richards et al. 2015 PMID: 25741868, with internal and published modifications).